The following is an entry in ClinVar:

ClinVar aggregate classification (germline): Benign. Review status: criteria provided, multiple submitters, no conflicts (2 of 4 stars). 2 submissions from 2 submitters: Benign (2). Last evaluated 2018-10-01.

Conditions:
Progressive sclerosing poliodystrophy (MTDPS4A). Also called: Alpers-Huttenlocher Syndrome (AHS); Alpers Syndrome; ALPERS PROGRESSIVE INFANTILE POLIODYSTROPHY; Mitochondrial DNA depletion syndrome 4A (Alpers type); ALPERS DIFFUSE DEGENERATION OF CEREBRAL GRAY MATTER WITH HEPATIC CIRRHOSIS; Alpers-Huttenlocher Syndrome. Identifiers: Orphanet 726, MedGen C0205710, MONDO:0008758, OMIM 203700.

Allele frequency attached by ClinVar (database versions not stated): 1000 Genomes Project 30x 0.04716; gnomAD 0.04873 and 0.04537; ESP Exome Variant Server 0.05105; TOPMed 0.05267; gnomAD exomes 0.00501 and 0.01192; ExAC 0.01448; 1000 Genomes Project 0.04513.
gnomAD v4.1: 13,755 of 1,458,158 alleles (0.94%); highest among the groups gnomAD compares: African/African-American, 16%; 911 homozygotes.

Submissions (2):

Wong Mito Lab, Molecular and Human Genetics, Baylor College of Medicine
Classification: Benign for Progressive sclerosing poliodystrophy. Last evaluated: 2018-10-01. Review status: criteria provided, single submitter. Criteria: ACMG Guidelines, 2015. Collection method: clinical testing. Allele origin: germline.
Comment: The NM_002693.2:c.660-46G>A (NP_002684.1:p.=) [GRCH38: NC_000015.10:g.89330322C>T] variant in POLG gene is interpretated to be a Benign based on ACMG guidelines (PMID: 25741868). This variant meets the following evidence codes reported in the ACMG-guideline. BA1:Minor allele frequency is too high for the Mitochondrial DNA depletion syndrome 4A (Alpers type). BP4:Computational evidence/predictors indicate no impact on the POLG structure, function, or protein-protein interaction. Based on the evidence criteria codes applied, the variant is suggested to be Benign.

Breakthrough Genomics
Classification: Benign. Review status: criteria provided, single submitter. Criteria: ACMG Guidelines, 2015. Collection method: not provided. Allele origin: germline. Inheritance: Autosomal recessive inheritance. Affected: yes.

NM_002693.3(POLG):c.660-46G>A

Genes: POLG (DNA polymerase gamma, catalytic subunit; minus strand), POLGARF (POLG alternative reading frame; minus strand). Cytogenetic location: 15q26.1.
Variant type: single nucleotide variant.
Coding change: c.660-46G>A on transcript NM_002693.3 (MANE Select); 46 bases into the intron before coding-DNA position 660, G replaced by A.
Molecular consequence: intron variant.
Genome position (GRCh38, 1-based): chr15:89,330,322, C>T on the plus strand (G>A on the coding strand, the complement: POLG is on the minus strand). VCF-style: chr15-89330322-C-T. GRCh37 (hg19) VCF-style: chr15-89873553-C-T.
Other names: c.660-46G>A (NM_001126131.2).
Identifiers: ClinVar variation 619388 (VCV000619388.2), dbSNP rs2307430, ClinGen allele CA7725070.